The following is an entry in ClinVar:

ClinVar aggregate classification (germline): Uncertain significance (1 of 4 stars; one submission).

Conditions:
Congenital myopathy with fiber type disproportion. Also called: Congenital fiber-type disproportion; Congenital fiber-type disproportion myopathy. Identifiers: Orphanet 2020, MedGen C0546264, MONDO:0009711. Inheritance: all.
Congenital myopathy 4B, autosomal recessive. Also called: Nemaline myopathy 1, autosomal dominant or recessive. Identifiers: Orphanet 171433, Orphanet 171439, Orphanet 171881, MedGen C5829889, MONDO:0012239, OMIM 609284.

Submission:

Baylor Genetics
Classification: Uncertain significance for Congenital myopathy 4A, autosomal dominant; Congenital myopathy 4B, autosomal recessive. Last evaluated: 2017-09-01. Review status: criteria provided, single submitter. Criteria: ACMG Guidelines, 2015. Collection method: clinical testing. Allele origin: de novo. Inheritance: Autosomal unknown. Affected: yes.

Literature cited by the submitters: PubMed 25326635.

NM_152263.4(TPM3):c.262T>C (p.Ser88Pro)

Gene: TPM3 (tropomyosin 3; minus strand). Cytogenetic location: 1q21.3.
Variant type: single nucleotide variant.
Coding change: c.262T>C on transcript NM_152263.4 (MANE Select); coding-DNA position 262, T replaced by C.
Protein change: p.Ser88Pro; replaces serine 88 with proline.
Molecular consequence: missense variant. On other transcripts: 5 prime UTR variant (1), non-coding transcript variant (1), intron variant (1).
Genome position (GRCh38, 1-based): chr1:154,176,230, A>G on the plus strand (T>C on the coding strand, the complement: TPM3 is on the minus strand). VCF-style: chr1-154176230-A-G. GRCh37 (hg19) VCF-style: chr1-154148706-A-G.
Other names: c.151T>C, p.Ser51Pro (NM_001043351.2, NM_001043352.2, NM_001043353.2 and 5 more transcripts); c.-120T>C (NM_001278191.2); c.262T>C, p.Ser88Pro (NM_001364679.2, NM_001364680.2, NM_001364681.2 and 1 more transcripts); c.69-3029T>C (NM_001278188.2); short protein forms S51P, S88P.
Identifiers: ClinVar variation 561134 (VCV000561134.2), dbSNP rs1558052214, ClinGen allele CA342585094.